The following is an entry in ClinVar:

NM_005529.7(HSPG2):c.7106A>C (p.His2369Pro)

Gene: HSPG2 (heparan sulfate proteoglycan 2; minus strand). Cytogenetic location: 1p36.12.
Variant type: single nucleotide variant.
Coding change: c.7106A>C on transcript NM_005529.7 (MANE Select); coding-DNA position 7106, A replaced by C.
Protein change: p.His2369Pro; replaces histidine 2369 with proline.
Molecular consequence: missense variant.
Genome position (GRCh38, 1-based): chr1:21,851,598, T>G on the plus strand (A>C on the coding strand, the complement: HSPG2 is on the minus strand). VCF-style: chr1-21851598-T-G. GRCh37 (hg19) VCF-style: chr1-22178091-T-G.
Other names: c.7109A>C, p.His2370Pro (NM_001291860.2); short protein forms H2369P, H2370P.
Identifiers: ClinVar variation 1922774 (VCV001922774.2), dbSNP rs199845995, ClinGen allele CA671313.

ClinVar aggregate classification (germline): Uncertain significance (1 of 4 stars; one submission).

Allele frequency attached by ClinVar (database versions not stated): gnomAD 0.00001; gnomAD exomes 0.00001; ExAC 0.00002.
gnomAD v4.1: 25 of 1,613,800 alleles (0.0015%); highest among the groups gnomAD compares: East Asian, 0.0045%; no homozygotes.

Submission:

Labcorp Genetics (formerly Invitae), Labcorp
Classification: Uncertain significance. Last evaluated: 2022-08-19. Review status: criteria provided, single submitter. Criteria: Invitae Variant Classification Sherloc (09022015). Collection method: clinical testing. Allele origin: germline.
Comment: This sequence change replaces histidine, which is basic and polar, with proline, which is neutral and non-polar, at codon 2369 of the HSPG2 protein (p.His2369Pro). This variant is present in population databases (rs199845995, gnomAD 0.004%). This variant has not been reported in the literature in individuals affected with HSPG2-related conditions. Algorithms developed to predict the effect of missense changes on protein structure and function are either unavailable or do not agree on the potential impact of this missense change (SIFT: "Deleterious"; PolyPhen-2: "Possibly Damaging"; Align-GVGD: "Class C0"). In summary, the available evidence is currently insufficient to determine the role of this variant in disease. Therefore, it has been classified as a Variant of Uncertain Significance.